The following is an entry in ClinVar:

ClinVar aggregate classification (germline): Uncertain significance (1 of 4 stars; one submission).

Conditions:
Hereditary cancer-predisposing syndrome. Also called: Hereditary neoplastic syndrome; Hereditary Cancer Syndrome; Neoplastic Syndromes, Hereditary; Tumor predisposition. Identifiers: Orphanet 140162, MedGen C0027672, MeSH D009386, MONDO:0015356.

Submission:

Ambry Genetics
Classification: Uncertain significance for Hereditary cancer-predisposing syndrome. Last evaluated: 2023-04-19. Review status: criteria provided, single submitter. Criteria: Ambry Variant Classification Scheme 2023. Collection method: clinical testing. Allele origin: germline.
Comment: The p.L449F variant (also known as c.1345C>T), located in coding exon 6 of the ALK gene, results from a C to T substitution at nucleotide position 1345. The leucine at codon 449 is replaced by phenylalanine, an amino acid with highly similar properties. This amino acid position is conserved. In addition, the in silico prediction for this alteration is inconclusive. Since supporting evidence is limited at this time, the clinical significance of this alteration remains unclear.

NM_004304.5(ALK):c.1345C>T (p.Leu449Phe)

Gene: ALK (ALK receptor tyrosine kinase; minus strand). Cytogenetic location: 2p23.2.
Variant type: single nucleotide variant.
Coding change: c.1345C>T on transcript NM_004304.5 (MANE Select); coding-DNA position 1345, C replaced by T.
Protein change: p.Leu449Phe; replaces leucine 449 with phenylalanine.
Molecular consequence: missense variant.
Genome position (GRCh38, 1-based): chr2:29,328,419, G>A on the plus strand (C>T on the coding strand, the complement: ALK is on the minus strand). VCF-style: chr2-29328419-G-A. GRCh37 (hg19) VCF-style: chr2-29551285-G-A.
Other names: short protein forms L449F.
Identifiers: ClinVar variation 2566581 (VCV002566581.2), dbSNP rs2148258333, ClinGen allele CA346474330.